The following is an entry in ClinVar:

NM_206933.4(USH2A):c.13763C>A (p.Ser4588Tyr)

Gene: USH2A (usherin; minus strand). Cytogenetic location: 1q41.
Variant type: single nucleotide variant.
Coding change: c.13763C>A on transcript NM_206933.4 (MANE Select); coding-DNA position 13763, C replaced by A.
Protein change: p.Ser4588Tyr; replaces serine 4588 with tyrosine.
Molecular consequence: missense variant.
Genome position (GRCh38, 1-based): chr1:215,674,148, G>T on the plus strand (C>A on the coding strand, the complement: USH2A is on the minus strand). VCF-style: chr1-215674148-G-T. GRCh37 (hg19) VCF-style: chr1-215847490-G-T.
Other names: short protein forms S4588Y.
Identifiers: ClinVar variation 48423 (VCV000048423.31), dbSNP rs78253373, ClinGen allele CA143328.

ClinVar aggregate classification (germline): Benign/Likely benign. Review status: criteria provided, multiple submitters, no conflicts (2 of 4 stars). 9 submissions from 8 submitters: Benign (5); Likely benign (3). 1 of the submissions does not count toward it. Last evaluated 2026-01-31.

Conditions:
Retinitis pigmentosa 39 (RP39). Identifiers: Orphanet 791, MedGen C3151138, MONDO:0013436, OMIM 613809.
Usher syndrome type 2A. Also called: RETINAL DISEASE IN USHER SYNDROME TYPE IIA, MODIFIER OF; USHER SYNDROME, TYPE IIA. Identifiers: Orphanet 231178, Orphanet 886, MedGen C1848634, MONDO:0010169, OMIM 276901.

Allele frequency attached by ClinVar (database versions not stated): gnomAD exomes 0.00245; ExAC 0.00292; gnomAD 0.00900 and 0.00962; 1000 Genomes Project 0.00958; TOPMed 0.01005; ESP Exome Variant Server 0.01023; 1000 Genomes Project 30x 0.01093.
gnomAD v4.1: 2,895 of 1,614,078 alleles (0.18%); highest among the groups gnomAD compares: African/African-American, 3%; 42 homozygotes.

Submissions (9):

Labcorp Genetics (formerly Invitae), Labcorp
Classification: Benign. Last evaluated: 2026-01-31. Review status: criteria provided, single submitter. Criteria: Invitae Variant Classification Sherloc (09022015). Collection method: clinical testing. Allele origin: germline.

Genome-Nilou Lab
Classification: Likely benign for Retinitis pigmentosa 39. Last evaluated: 2023-11-04. Review status: criteria provided, single submitter. Criteria: ACMG Guidelines, 2015. Collection method: clinical testing. Allele origin: germline. Affected: no.

Genome-Nilou Lab
Classification: Likely benign for Usher syndrome type 2A. Last evaluated: 2023-11-04. Review status: criteria provided, single submitter. Criteria: ACMG Guidelines, 2015. Collection method: clinical testing. Allele origin: germline. Affected: no.

ARUP Laboratories, Molecular Genetics and Genomics, ARUP Laboratories
Classification: Benign. Last evaluated: 2022-07-15. Review status: criteria provided, single submitter. Criteria: ARUP Molecular Germline Variant Investigation Process 2021. Collection method: clinical testing. Allele origin: germline.

Fulgent Genetics
Classification: Likely benign for Usher syndrome type 2A; Retinitis pigmentosa 39. Last evaluated: 2021-07-29. Review status: criteria provided, single submitter. Criteria: ACMG Guidelines, 2015. Collection method: clinical testing. Allele origin: unknown.

GeneDx
Classification: Benign. Last evaluated: 2015-07-02. Review status: criteria provided, single submitter. Criteria: GeneDx Variant Classification (06012015). Collection method: clinical testing. Allele origin: germline. Affected: yes.
Comment: This variant is considered likely benign or benign based on one or more of the following criteria: it is a conservative change, it occurs at a poorly conserved position in the protein, it is predicted to be benign by multiple in silico algorithms, and/or has population frequency not consistent with disease.

Laboratory for Molecular Medicine, Mass General Brigham Personalized Medicine
Classification: Benign. Last evaluated: 2011-06-21. Review status: criteria provided, single submitter. Criteria: LMM Criteria. Collection method: clinical testing. Allele origin: germline. Observed: 16 variant alleles.
Comment: Ser4588Tyr in exon 63 of USH2A: This variant is predicted to be benign based on its high frequency in the general population (dbSNP rs78253373).

Breakthrough Genomics
Classification: Benign. Review status: criteria provided, single submitter. Criteria: ACMG Guidelines, 2015. Collection method: not provided. Allele origin: germline. Inheritance: Autosomal recessive inheritance. Affected: yes.

Natera, Inc.
Classification: Benign for Usher syndrome type 2A. Last evaluated: 2020-09-16. Review status: no assertion criteria provided. Collection method: clinical testing. Allele origin: germline. Not counted in ClinVar's aggregate classification.